The following is an entry in ClinVar:

NM_001199107.2(TBC1D24):c.724C>T (p.Arg242Cys)

Gene: TBC1D24 (TBC1 domain family member 24; plus strand). Cytogenetic location: 16p13.3.
Variant type: single nucleotide variant.
Coding change: c.724C>T on transcript NM_001199107.2 (MANE Select); coding-DNA position 724, C replaced by T.
Protein change: p.Arg242Cys; replaces arginine 242 with cysteine.
Molecular consequence: missense variant.
Genome position (GRCh38, 1-based): chr16:2,496,872, C>T. VCF-style: chr16-2496872-C-T. GRCh37 (hg19) VCF-style: chr16-2546873-C-T.
Other names: p.R242C:CGC>TGC; c.724C>T, p.Arg242Cys (NM_020705.3); short protein forms R242C.
Identifiers: ClinVar variation 91395 (VCV000091395.25), dbSNP rs398122965, ClinGen allele CA319025.
Genomic context (GRCh38, chr16:2,496,872, plus strand): 5'-CTCTGCTACTTCGCCCGGGTCTTTGACGTCTTCCTGGTGGAGGGCTACAAGGTGCTGTAC[C>T]GCGTGGCGCTGGCCATCCTCAAGTTCTTCCACAAGGTGAGGGCCGGGCAGCCGCTGGAGT-3'
Protein context (NP_001186036.1, residues 232-252): FLVEGYKVLY[Arg242Cys]VALAILKFFH

ClinVar aggregate classification (germline): Pathogenic/Likely pathogenic. Review status: criteria provided, multiple submitters, no conflicts (2 of 4 stars). 15 submissions from 15 submitters: Pathogenic (9); Likely pathogenic (3). 3 of the submissions do not count toward it. Last evaluated 2026-08-06.

Conditions:
TBC1D24-related disorder. Also called: TBC1D24-related disorders; TBC1D24-related condition. Identifiers: MedGen CN381194.
Autosomal dominant nonsyndromic hearing loss 65. Also called: TBC1D24-Related Autosomal Dominant Nonsyndromic Hearing Loss (DFNA); Deafness, autosomal dominant 65. Identifiers: Orphanet 90635, MedGen C3892048, MONDO:0014470, OMIM 616044.
Developmental and epileptic encephalopathy, 1 (DEE1). Also called: X-linked infantile spasms; West's syndrome; Tonic spasms with clustering, arrest of psychomotor development and hypsarrhythmia on EEG; X-Linked Infantile Spasm Syndrome; OHTAHARA SYNDROME, X-LINKED; INFANTILE SPASM SYNDROME, X-LINKED 1. Identifiers: MedGen C3463992, MONDO:0010632, OMIM 308350. Disease mechanism: loss of function.
Inborn genetic diseases. Identifiers: MedGen C0950123, MeSH D030342.
Developmental and epileptic encephalopathy, 16 (DEE16). Also called: TBC1D24-Related Developmental and Epileptic Encephalopathy (DEE); Early infantile epileptic encephalopathy 16. Identifiers: Orphanet 293181, Orphanet 352596, MedGen C3809173, MONDO:0014133, OMIM 615338.
DOORS syndrome (DOORS). Also called: DOORS Syndrome (Deafness, Onychodystrophy, Osteodystrophy, Mental Retardation, and Seizures); DEAFNESS, ONYCHODYSTROPHY, OSTEODYSTROPHY, IMPAIRED INTELLECTUAL DEVELOPMENT, AND SEIZURES SYNDROME; DRC SYNDROME; BRACHYDACTYLY DUE TO ABSENCE OF DISTAL PHALANGES; ERONEN SYNDROME; DOOR SYNDROME. Identifiers: Orphanet 3231, Orphanet 79500, MedGen C0795934, MONDO:0009079, OMIM 220500. Disease mechanism: loss of function.
Familial infantile myoclonic epilepsy (FIME). Also called: TBC1D24-Related Familial Infantile Myoclonic Epilepsy (FIME); Epilepsy, Myoclonic, Infantile. Identifiers: Orphanet 352582, MedGen C0917800, MONDO:0011506, OMIM 605021.

Allele frequency attached by ClinVar (database versions not stated): TOPMed 0.00008; ExAC 0.00001; gnomAD 0.00002 and 0.00003; gnomAD exomes 0.00001.
gnomAD v4.1: 29 of 1,613,996 alleles (0.0018%); highest among the groups gnomAD compares: Admixed American, 0.0083%; no homozygotes.

Submissions 1 to 8 of 15:

OLLIN Analises Genomicas, OLLIN
Classification: Pathogenic for Familial infantile myoclonic epilepsy. Last evaluated: 2026-08-06. Review status: criteria provided, single submitter. Criteria: ACMG Guidelines 2015 PMID 25741868. Collection method: clinical testing. Allele origin: germline. Inheritance: Autosomal recessive inheritance.
Comment: This missense variant, located in exon 2 (of 8), has been reported in ClinVar (accession VCV000091395.24), in gnomAD with an allele frequency of 0.0018%, and in the scientific literature, segregating with the phenotype and in compound heterozygosity, in individuals with TBC1D24 related disorders (PMID: 27281533, 24291220, 28428906, 32004315, 36147510, 31780880, 30335140). Functional studies suggest that this variant may affect protein function, and in silico analysis predicts a deleterious effect (PMID: 27281533). Another pathogenic variant affecting the same amino acid residue has been reported. According to the currently available evidence, this variant has been classified as pathogenic (PS3_P, PM2_P, PM3_VS, PM5, PP1, PP3_M).

Rady Children's Institute for Genomic Medicine, Rady Children's Hospital San Diego
Classification: Pathogenic for TBC1D24-related disorders. Last evaluated: 2025-10-23. Review status: criteria provided, single submitter. Criteria: ACMG Guidelines, 2015. Collection method: clinical testing. Allele origin: germline. Affected: yes.
Comment: The c.724C>T (p.Arg242Cys) variant affects a highly conserved amino acid and is predicted by multiple in silico tools to have a deleterious effect on protein function. This variant has been previously reported as a homozygous and compound heterozygous change in patients with TBC1D24-related disorders (PMID: 24291220, 31780880, 30579089, 37996878). Functional studies indicate this variant may lead to reduced efficiency of outgrowth induction (PMID: 27281533, 30335140). The c.724C>T (p.Arg242Cys) variant is present in the latest version of the gnomAD population database at an allele frequency of 0.001% (29/1613996) and is absent in the homozygous state, and thus is presumed to be rare. Based on the available evidence, c.724C>T (p.Arg242Cys) is classified as Pathogenic.

Variantyx, Inc.
Classification: Likely pathogenic for DOORS syndrome. Last evaluated: 2025-10-10. Review status: criteria provided, single submitter. Criteria: Variantyx Assertion Criteria 2022. Collection method: clinical testing. Allele origin: germline. Inheritance: Autosomal recessive inheritance. Affected: yes.
Comment: This is a nonsynonymous variant in the TBC1D24 gene (OMIM: 613577). Pathogenic variants in this gene have been associated with autosomal recessive DOORS syndrome. This variant has been identified in the homozygous or compound heterozygous state in at least 6 individuals reported in the published literature (PMID: 24291220, 31780880, 37996878) (PM3_Strong). Functional studies have shown that this variant alters TBC1D24 protein function (PMID: 27281533) (PS3_Moderate), and multiple computational algorithms predict a deleterious effect for this variant (REVEL score: 0.858) (PP3). This variant has a 0.0083% maximum allele frequency in non-founder control populations (PM2). Based on the current evidence, this variant is classified as likely pathogenic for autosomal recessive DOORS syndrome.

Labcorp Genetics (formerly Invitae), Labcorp
Classification: Pathogenic for Developmental and epileptic encephalopathy, 1; Autosomal dominant nonsyndromic hearing loss 65. Last evaluated: 2025-09-15. Review status: criteria provided, single submitter. Criteria: Invitae Variant Classification Sherloc (09022015). Collection method: clinical testing. Allele origin: germline.
Comment: This sequence change replaces arginine, which is basic and polar, with cysteine, which is neutral and slightly polar, at codon 242 of the TBC1D24 protein (p.Arg242Cys). This variant is present in population databases (rs398122965, gnomAD 0.007%). This missense change has been observed in individuals with autosomal recessive TBC1D24-related conditions (PMID: 24291220, 31780880). It has also been observed to segregate with disease in related individuals. ClinVar contains an entry for this variant (Variation ID: 91395). Invitae Evidence Modeling of protein sequence and biophysical properties (such as structural, functional, and spatial information, amino acid conservation, physicochemical variation, residue mobility, and thermodynamic stability) indicates that this missense variant is expected to disrupt TBC1D24 protein function with a positive predictive value of 95%. Experimental studies have shown that this missense change affects TBC1D24 function (PMID: 27281533). For these reasons, this variant has been classified as Pathogenic.

Dasa
Classification: Pathogenic. Last evaluated: 2025-07-04. Review status: criteria provided, single submitter. Criteria: DASA Assertion Criteria. Collection method: clinical testing. Allele origin: germline.
Comment: NM_001199107.2(TBC1D24):c.724C>T (p.Arg242Cys) is a missense variant that results in the substitution of arginine with cysteine. The affected residue or protein region has prior evidence supporting clinical relevance. This variant has been observed in affected individuals with related phenotype in a genotype context consistent with recessive disease (PMID: 24291220; PMID: 27281533; PMID: 31780880; PMID: 31112829; PMID: 32004315). Functional evidence supports a deleterious effect on the gene or gene product (PMID: 24291220; PMID: 27281533; PMID: 31780880; PMID: 31112829; PMID: 32004315). This variant has been recurrently observed in individuals with related phenotype (PMID: 24291220; PMID: 27281533; PMID: 31780880; PMID: 31112829; PMID: 32004315). Multiple computational predictions support a deleterious effect on the gene or gene product. The variant is present at low frequency in population datasets. Based on the available data, this variant is classified as pathogenic.

GeneDx
Classification: Pathogenic. Last evaluated: 2024-07-03. Review status: criteria provided, single submitter. Criteria: GeneDx Variant Classification Process June 2021. Collection method: clinical testing. Allele origin: germline. Affected: yes.
Comment: Published functional studies involving neuronal outgrowth assays of mouse cortical cells demonstrate a reduction in neurite length compared to wild-type (PMID: 27281533); Not observed at significant frequency in large population cohorts (gnomAD); This variant is associated with the following publications: (PMID: 25169651, 24291220, 27281533, 28428906, 30579089, 31780880, 36147510, 31440721, 30335140)

PreventionGenetics, part of Exact Sciences
Classification: Likely pathogenic for TBC1D24-related condition. Last evaluated: 2023-02-20. Review status: criteria provided, single submitter. Criteria: ACMG Guidelines, 2015. Collection method: clinical testing. Allele origin: germline.
Comment: The TBC1D24 c.724C>T variant is predicted to result in the amino acid substitution p.Arg242Cys. This variant was reported in the compound heterozygous or homozygous state in multiple individuals with DOORS syndrome (Campeau et al. 2014. PubMed ID: 24291220; Balestrini et al. 2016. PubMed ID: 27281533; Fernández-Marmiesse et al. 2019. PubMed ID: 31780880). This variant is reported in 0.0065% of alleles in individuals of African descent in gnomAD. This variant is interpreted as likely pathogenic.

Laboratorio de Genetica e Diagnostico Molecular, Hospital Israelita Albert Einstein
Classification: Pathogenic for Developmental and epileptic encephalopathy, 16. Last evaluated: 2021-05-10. Review status: criteria provided, single submitter. Criteria: ACMG Guidelines, 2015. Collection method: clinical testing. Allele origin: germline. Affected: yes.
Comment: ACMG classification criteria: PS3 supporting, PS4 moderate, PM2 moderate, PM3 strong, PP3 supporting